The following is an entry in ClinVar:

ClinVar aggregate classification (germline): Uncertain significance. Review status: criteria provided, multiple submitters, no conflicts (2 of 4 stars). 2 submissions from 2 submitters: Uncertain significance (2). Last evaluated 2025-03-03.

Conditions:
Brugada syndrome. Also called: Sudden Unexplained Death Syndrome; Sudden Unexplained Nocturnal Death Syndrome (SUNDS); Sudden unexpected nocturnal death syndrome; Sudden unexplained nocturnal death syndrome. Identifiers: Orphanet 130, MedGen C1142166, MONDO:0015263.

Allele frequency attached by ClinVar (database versions not stated): gnomAD exomes below 0.00001.
gnomAD v4.1: 4 of 1,614,136 alleles (0.00025%); highest among the groups gnomAD compares: Non-Finnish European, 0.00025%; no homozygotes.

Submissions (2):

Labcorp Genetics (formerly Invitae), Labcorp
Classification: Uncertain significance for Brugada syndrome. Last evaluated: 2025-03-03. Review status: criteria provided, single submitter. Criteria: Invitae Variant Classification Sherloc (09022015). Collection method: clinical testing. Allele origin: germline.
Comment: This sequence change creates a premature translational stop signal (p.Lys1448*) in the SCN10A gene. It is expected to result in an absent or disrupted protein product. However, the current clinical and genetic evidence is not sufficient to establish whether loss-of-function variants in SCN10A cause disease. This variant is not present in population databases (gnomAD no frequency). This variant has not been reported in the literature in individuals affected with SCN10A-related conditions. ClinVar contains an entry for this variant (Variation ID: 844108). In summary, the available evidence is currently insufficient to determine the role of this variant in disease. Therefore, it has been classified as a Variant of Uncertain Significance.

GeneDx
Classification: Uncertain significance. Last evaluated: 2021-06-07. Review status: criteria provided, single submitter. Criteria: GeneDx Variant Classification Process June 2021. Collection method: clinical testing. Allele origin: germline. Affected: yes.
Comment: Has not been previously published as pathogenic or benign to our knowledge; Not observed at significant frequency in large population cohorts (Lek et al., 2016); Nonsense variant predicted to result in protein truncation or nonsense mediated decay in a gene for which loss-of-function is not a known mechanism of disease; Reported in ClinVar as a variant of uncertain significance (ClinVar Variant ID# 844108; Landrum et al., 2016); This variant is associated with the following publications: (PMID: 27535533)

NM_006514.4(SCN10A):c.4342A>T (p.Lys1448Ter)

Gene: SCN10A (sodium voltage-gated channel alpha subunit 10; minus strand). Cytogenetic location: 3p22.2.
Variant type: single nucleotide variant.
Coding change: c.4342A>T on transcript NM_006514.4 (MANE Select); coding-DNA position 4342, A replaced by T.
Protein change: p.Lys1448Ter; replaces lysine 1448 with a stop codon.
Molecular consequence: nonsense.
Genome position (GRCh38, 1-based): chr3:38,707,323, T>A on the plus strand (A>T on the coding strand, the complement: SCN10A is on the minus strand). VCF-style: chr3-38707323-T-A. GRCh37 (hg19) VCF-style: chr3-38748814-T-A.
Other names: c.4339A>T, p.Lys1447Ter (NM_001293306.2); c.4048A>T, p.Lys1350Ter (NM_001293307.2); short protein forms K1448*, K1350*, K1447*.
Identifiers: ClinVar variation 844108 (VCV000844108.8), dbSNP rs1420782164, ClinGen allele CA352148516.
Genomic context (GRCh38, chr3:38,707,323, plus strand): 5'-AACCTCTGGGGCTCACCAGGGGCCGTGGGATGGGCTTCTGGGGCTTCTTGGAGCCCAACT[T>A]CTTCATGGCATTGTAGTATTTCTTCTGCTCCTCTGTCATGAAGATGTCCTGGCCCCCTAA-3'